The following is an entry in ClinVar:

ClinVar aggregate classification (germline): Uncertain significance (1 of 4 stars; one submission).

Conditions:
Neurofibromatosis, type 1 (NF1). Also called: Peripheral type neurofibromatosis; VON RECKLINGHAUSEN DISEASE; NEUROFIBROMATOSIS, TYPE I, SOMATIC; Neurofibromatosis, type I. Identifiers: Orphanet 636, MedGen C0027831, MONDO:0018975, OMIM 162200. Disease mechanism: loss of function.

Submission:

MGZ Medical Genetics Center
Classification: Uncertain significance for Neurofibromatosis, type 1. Last evaluated: 2022-06-23. Review status: criteria provided, single submitter. Criteria: ACMG Guidelines, 2015. Collection method: clinical testing. Allele origin: germline. Affected: yes. Observed: 1 variant allele.
Comment: ACMG criteria applied: PM2_SUP, PP3, PP4

NM_001042492.3(NF1):c.3304T>G (p.Leu1102Val)

Gene: NF1 (neurofibromin 1; plus strand). Cytogenetic location: 17q11.2.
Variant type: single nucleotide variant.
Coding change: c.3304T>G on transcript NM_001042492.3 (MANE Select); coding-DNA position 3304, T replaced by G.
Protein change: p.Leu1102Val; replaces leucine 1102 with valine.
Molecular consequence: missense variant.
Genome position (GRCh38, 1-based): chr17:31,232,179, T>G. VCF-style: chr17-31232179-T-G. GRCh37 (hg19) VCF-style: chr17-29559197-T-G.
Other names: c.3304T>G, p.Leu1102Val (NM_000267.4); short protein forms L1102V.
Identifiers: ClinVar variation 1709572 (VCV001709572.2), dbSNP rs2151433894, ClinGen allele CA398988920.